The following is an entry in ClinVar:

NM_000341.4(SLC3A1):c.460G>C (p.Ala154Pro)

Gene: SLC3A1 (solute carrier family 3 member 1; plus strand). Cytogenetic location: 2p21.
Variant type: single nucleotide variant.
Coding change: c.460G>C on transcript NM_000341.4 (MANE Select); coding-DNA position 460, G replaced by C.
Protein change: p.Ala154Pro; replaces alanine 154 with proline.
Molecular consequence: missense variant.
Genome position (GRCh38, 1-based): chr2:44,280,745, G>C. VCF-style: chr2-44280745-G-C. GRCh37 (hg19) VCF-style: chr2-44507884-G-C.
Other names: short protein forms A154P.
Identifiers: ClinVar variation 3776136 (VCV003776136.1).
Genomic context (GRCh38, chr2:44,280,745, plus strand): 5'-GTTTATTCATGACTTTGACTTTTTTCTTCAGGTATTCAAGATAAACTGGACTACATCACA[G>C]CTTTAAATATAAAAACTGTTTGGATTACTTCATTTTATAAATCGTCCCTTAAAGATTTCA-3'
Protein context (NP_000332.2, residues 144-164): GIQDKLDYIT[Ala154Pro]LNIKTVWITS

ClinVar aggregate classification (germline): Uncertain significance (1 of 4 stars; one submission).

Conditions:
Cystinuria (CSNU). Also called: Cystinuria, non-type I; CYSTINURIA, TYPE I; CYSTINURIA, TYPE II; CYSTINURIA, TYPE III. Identifiers: Orphanet 214, MedGen C0010691, MONDO:0009067, OMIM 220100, HP:0003131.

Submission:

3billion
Classification: Uncertain significance for Cystinuria. Last evaluated: 2024-01-17. Review status: criteria provided, single submitter. Criteria: ACMG Guidelines, 2015. Collection method: clinical testing. Allele origin: germline. Affected: yes.
Comment: The variant is not observed in the gnomAD v2.1.1 dataset. Predicted Consequence/Location: Missense variant Damaging effect on gene or gene product predicted by in silico programs is uncertain [REVEL: 0.46 (damaging >=0.6, benign <0.4)]. Therefore, this variant is classified as VUS according to the recommendation of ACMG/AMP guideline.